The following is an entry in ClinVar:

ClinVar aggregate classification (germline): Uncertain significance. Review status: criteria provided, multiple submitters, no conflicts (2 of 4 stars). 2 submissions from 2 submitters: Uncertain significance (2). Last evaluated 2024-09-28.

Conditions:
Generalized epilepsy-paroxysmal dyskinesia syndrome (PNKD3). Also called: Paroxysmal nonkinesigenic dyskinesia, 3, with or without generalized epilepsy; Generalized epilepsy and paroxysmal dyskinesia. Identifiers: Orphanet 79137, MedGen C5574945, MONDO:0012276, OMIM 609446.

Submissions (2):

GeneDx
Classification: Uncertain significance. Last evaluated: 2024-09-28. Review status: criteria provided, single submitter. Criteria: GeneDx Variant Classification Process June 2021. Collection method: clinical testing. Allele origin: germline. Affected: yes.
Comment: Not observed at significant frequency in large population cohorts (gnomAD); In silico analysis indicates that this missense variant does not alter protein structure/function; Has not been previously published as pathogenic or benign to our knowledge

Labcorp Genetics (formerly Invitae), Labcorp
Classification: Uncertain significance for Generalized epilepsy-paroxysmal dyskinesia syndrome. Last evaluated: 2019-03-06. Review status: criteria provided, single submitter. Criteria: Invitae Variant Classification Sherloc (09022015). Collection method: clinical testing. Allele origin: germline.
Comment: This variant has not been reported in the literature in individuals with KCNMA1-related conditions. In summary, the available evidence is currently insufficient to determine the role of this variant in disease. Therefore, it has been classified as a Variant of Uncertain Significance. Algorithms developed to predict the effect of missense changes on protein structure and function are either unavailable or do not agree on the potential impact of this missense change (SIFT: "Tolerated"; PolyPhen-2: "Probably Damaging"; Align-GVGD: "Class C0"). This variant is not present in population databases (ExAC no frequency). This sequence change replaces asparagine with lysine at codon 247 of the KCNMA1 protein (p.Asn247Lys). The asparagine residue is moderately conserved and there is a moderate physicochemical difference between asparagine and lysine.

NM_001161352.2(KCNMA1):c.741C>A (p.Asn247Lys)

Gene: KCNMA1 (potassium calcium-activated channel subfamily M alpha 1; minus strand). Cytogenetic location: 10q22.3.
Variant type: single nucleotide variant.
Coding change: c.741C>A on transcript NM_001161352.2 (MANE Select); coding-DNA position 741, C replaced by A.
Protein change: p.Asn247Lys; replaces asparagine 247 with lysine.
Molecular consequence: missense variant.
Genome position (GRCh38, 1-based): chr10:77,183,488, G>T on the plus strand (C>A on the coding strand, the complement: KCNMA1 is on the minus strand). VCF-style: chr10-77183488-G-T. GRCh37 (hg19) VCF-style: chr10-78943246-G-T.
Other names: c.741C>A, p.Asn247Lys (NM_001014797.3, NM_001161353.2, NM_001271519.2 and 7 more transcripts); c.579C>A, p.Asn193Lys (NM_001271518.2); c.201C>A, p.Asn67Lys (NM_001322838.2); short protein forms N193K, N247K, N67K.
Identifiers: ClinVar variation 834177 (VCV000834177.11), dbSNP rs2098818815, ClinGen allele CA377410409.